The following is an entry in ClinVar:

NM_001142730.3(KCTD1):c.2056G>C (p.Asp686His)

Gene: KCTD1 (potassium channel tetramerization domain containing 1; minus strand). Cytogenetic location: 18q11.2.
Variant type: single nucleotide variant.
Coding change: c.2056G>C on transcript NM_001142730.3 (MANE Select); coding-DNA position 2056, G replaced by C.
Protein change: p.Asp686His; replaces aspartic acid 686 with histidine.
Molecular consequence: missense variant.
Genome position (GRCh38, 1-based): chr18:26,476,592, C>G on the plus strand (G>C on the coding strand, the complement: KCTD1 is on the minus strand). VCF-style: chr18-26476592-C-G. GRCh37 (hg19) VCF-style: chr18-24056556-C-G.
Other names: c.232G>C, p.Asp78His (NM_001136205.2, NM_001258221.2, NM_001351443.1 and 1 more transcripts); c.256G>C, p.Asp86His (NM_001258222.3); short protein forms D686H, D78H, D86H.
Identifiers: ClinVar variation 3254677 (VCV003254677.1), dbSNP rs2510943436.
Genomic context (GRCh38, chr18:26,476,592, plus strand): 5'-TGAGGAGTTTGGATGTTCGTAGAAAATTCAAGATATATCTGAACATCTGTCCATCTCTGT[C>G]AATGAAATAGTGCTGTTTGAGACTGTCCAAAACAATGGGCTCTGTACCATCAAAAAGTCT-3'
Protein context (NP_001136202.1, residues 676-696): LDSLKQHYFI[Asp686His]RDGQMFRYIL

ClinVar aggregate classification (germline): Likely pathogenic (1 of 4 stars; one submission).

Conditions:
Scalp-ear-nipple syndrome (SENS). Also called: FINLAY-MARKS SYNDROME; Hereditary syndrome of lumpy scalp, odd ears and rudimentary nipples; SEN SYNDROME. Identifiers: Orphanet 2036, MedGen C1867020, MONDO:0008404, OMIM 181270.

Submission:

Victorian Clinical Genetics Services, Murdoch Childrens Research Institute
Classification: Likely pathogenic for Scalp-ear-nipple syndrome. Last evaluated: 2023-12-21. Review status: criteria provided, single submitter. Criteria: ACMG Guidelines, 2015. Collection method: clinical testing. Allele origin: germline. Inheritance: Autosomal dominant inheritance. Affected: yes.
Comment: Based on the classification scheme VCGS_Germline_v1.3.4, this variant is classified as Likely pathogenic. Following criteria are met: 0105 - The mechanism of disease for this gene is not clearly established (PMIDs: 23541344, 31324836). (I) 0107 - This gene is associated with autosomal dominant disease. (I) 0115 - Variants in this gene are known to have variable expressivity. Scalp-ear-nipple syndrome exhibits substantial variable expressivity within families (PMID: 23541344). (I) 0200 - Variant is predicted to result in a missense amino acid change from aspartic acid to histidine. (I) 0251 - This variant is heterozygous. (I) 0301 - Variant is absent from gnomAD (both v2 and v3). (SP) 0502 - Missense variant with conflicting in silico predictions and high conservation. (I) 0602 - Variant is located in a hotspot region or cluster of pathogenic variants. The affected amino acid residue has been annotated as a pentamer interface region within the BTB_2 domain (DECIPHER, NCBI). The majority of the reported missense variants in this gene are also located in the same region (PMID: 23541344). Five of those missense variants have been shown to impair the ability to bind to AP-2 alpha (PMID: 31324836). (SP) 0705 - No comparable missense variants have previous evidence for pathogenicity. (I) 0807 - This variant has no previous evidence of pathogenicity. (I) 0905 - No published segregation evidence has been identified for this variant. (I) 1007 - No published functional evidence has been identified for this variant. (SP) Legend: (SP) - Supporting pathogenic, (I) - Information, (SB) - Supporting benign

Literature cited by the submitters: PubMed 23541344; PubMed 31324836.